The following is an entry in ClinVar:

ClinVar aggregate classification (germline): Pathogenic (1 of 4 stars; one submission).

Conditions:
Familial cancer of breast. Also called: Hereditary breast cancer; BREAST CANCER, FAMILIAL; hereditary breast carcinoma. Identifiers: Orphanet 227535, MedGen C0346153, MONDO:0016419, OMIM 114480. Disease mechanism: loss of function.

Submission:

Myriad Genetics, Inc.
Classification: Pathogenic for Familial cancer of breast. Last evaluated: 2023-09-14. Review status: criteria provided, single submitter. Criteria: Myriad Autosomal Dominant, Autosomal Recessive and X-Linked Classification Criteria (2023). Collection method: clinical testing. Allele origin: unknown.
Comment: This variant is considered pathogenic. This variant creates a frameshift predicted to result in premature protein truncation.

NM_024675.4(PALB2):c.2845del (p.Cys949fs)

Gene: PALB2 (partner and localizer of BRCA2; minus strand). Cytogenetic location: 16p12.2.
Variant type: Deletion.
Coding change: c.2845del on transcript NM_024675.4 (MANE Select); coding-DNA position 2845, one base deleted (T; older notation c.2845delT).
Protein change: p.Cys949fs; shifts the reading frame from cysteine 949.
Molecular consequence: frameshift variant. On other transcripts: intron variant (1).
Genome position (GRCh38, 1-based): chr16:23,623,120, A deleted on the plus strand (T on the coding strand, the reverse complement: PALB2 is on the minus strand); the first of 4 consecutive A bases (chr16:23,623,120-23,623,123); deleting any one gives the same sequence. VCF-style (leftmost placement, unchanged base first): chr16-23623119-CA-C. GRCh37 (hg19) VCF-style: chr16-23634440-CA-C.
Other names: c.2785del, p.Cys929fs (NM_001407296.1); c.2773del, p.Cys925fs (NM_001407297.1); c.2683del, p.Cys895fs (NM_001407298.1, NM_001407302.1); c.2845del, p.Cys949fs (NM_001407299.1, NM_001407301.1); c.1960del, p.Cys654fs (NM_001407304.1, NM_001407305.1, NM_001407306.1 and 4 more transcripts); c.1798del, p.Cys600fs (NM_001407307.1); c.1057del, p.Cys353fs (NM_001407312.1, NM_001407313.1); c.379del, p.Cys127fs (NM_001407314.1); and 1 more; short protein forms C127fs, C353fs, C600fs, C654fs, C895fs, C925fs, C929fs, C949fs.
Identifiers: ClinVar variation 2673869 (VCV002673869.1), dbSNP rs2506337849, ClinGen allele CA2695197605.